The following is an entry in ClinVar:

ClinVar aggregate classification (germline): Uncertain significance. Review status: criteria provided, multiple submitters, no conflicts (2 of 4 stars). 2 submissions from 2 submitters: Uncertain significance (2). Last evaluated 2025-11-13.

Conditions:
Rubinstein-Taybi syndrome due to EP300 haploinsufficiency. Also called: EP300-Related Rubinstein-Taybi Syndrome; RUBINSTEIN-TAYBI SYNDROME 2. Identifiers: Orphanet 353284, Orphanet 783, MedGen C3150941, MONDO:0013364, OMIM 613684.
Inborn genetic diseases. Identifiers: MedGen C0950123, MeSH D030342.

gnomAD v4.1: 1 of 1,613,882 alleles (0.000062%); highest among the groups gnomAD compares: African/African-American, 0.0013%; no homozygotes.

Submissions (2):

Labcorp Genetics (formerly Invitae), Labcorp
Classification: Uncertain significance for Rubinstein-Taybi syndrome due to EP300 haploinsufficiency. Last evaluated: 2025-11-13. Review status: criteria provided, single submitter. Criteria: Invitae Variant Classification Sherloc (09022015). Collection method: clinical testing. Allele origin: germline.
Comment: This sequence change replaces leucine, which is neutral and non-polar, with phenylalanine, which is neutral and non-polar, at codon 2183 of the EP300 protein (p.Leu2183Phe). This variant is present in population databases (no rsID available, gnomAD 0.01%). This variant has not been reported in the literature in individuals affected with EP300-related conditions. ClinVar contains an entry for this variant (Variation ID: 3508832). Invitae Evidence Modeling of protein sequence and biophysical properties (such as structural, functional, and spatial information, amino acid conservation, physicochemical variation, residue mobility, and thermodynamic stability) indicates that this missense variant is not expected to disrupt EP300 protein function with a negative predictive value of 80%. In summary, the available evidence is currently insufficient to determine the role of this variant in disease. Therefore, it has been classified as a Variant of Uncertain Significance.

Ambry Genetics
Classification: Uncertain significance for Inborn genetic diseases. Last evaluated: 2024-10-19. Review status: criteria provided, single submitter. Criteria: Ambry Variant Classification Scheme 2023. Collection method: clinical testing. Allele origin: germline.

NM_001429.4(EP300):c.6549G>C (p.Leu2183Phe)

Gene: EP300 (EP300 lysine acetyltransferase; plus strand). Cytogenetic location: 22q13.2.
Variant type: single nucleotide variant.
Coding change: c.6549G>C on transcript NM_001429.4 (MANE Select); coding-DNA position 6549, G replaced by C.
Protein change: p.Leu2183Phe; replaces leucine 2183 with phenylalanine.
Molecular consequence: missense variant.
Genome position (GRCh38, 1-based): chr22:41,178,260, G>C. VCF-style: chr22-41178260-G-C. GRCh37 (hg19) VCF-style: chr22-41574264-G-C.
Other names: c.6471G>C, p.Leu2157Phe (NM_001362843.2); short protein forms L2157F, L2183F.
Identifiers: ClinVar variation 3508832 (VCV003508832.3).